The following is an entry in ClinVar:

ClinVar aggregate classification (germline): Uncertain significance (1 of 4 stars; one submission).

Conditions:
Charcot-Marie-Tooth disease axonal type 2L. Also called: Charcot-Marie-Tooth Neuropathy Type 2L; CHARCOT-MARIE-TOOTH DISEASE, AXONAL, AUTOSOMAL DOMINANT, TYPE 2L; CHARCOT-MARIE-TOOTH NEUROPATHY, AXONAL, TYPE 2L. Identifiers: Orphanet 99945, MedGen C1837552, MONDO:0012096, OMIM 608673.

Submission:

Labcorp Genetics (formerly Invitae), Labcorp
Classification: Uncertain significance for Charcot-Marie-Tooth disease axonal type 2L. Last evaluated: 2019-07-24. Review status: criteria provided, single submitter. Criteria: Invitae Variant Classification Sherloc (09022015). Collection method: clinical testing. Allele origin: germline.
Comment: In summary, the available evidence is currently insufficient to determine the role of this variant in disease. Therefore, it has been classified as a Variant of Uncertain Significance. Algorithms developed to predict the effect of missense changes on protein structure and function do not agree on the potential impact of this missense change (SIFT: "Tolerated"; PolyPhen-2: "Possibly Damaging"; Align-GVGD: "Class C0"). This variant has not been reported in the literature in individuals with HSPB8-related disease. This variant is not present in population databases (ExAC no frequency). This sequence change replaces arginine with lysine at codon 65 of the HSPB8 protein (p.Arg65Lys). The arginine residue is highly conserved and there is a small physicochemical difference between arginine and lysine.

NM_014365.3(HSPB8):c.194G>A (p.Arg65Lys)

Gene: HSPB8 (heat shock protein family B (small) member 8; plus strand). Cytogenetic location: 12q24.23.
Variant type: single nucleotide variant.
Coding change: c.194G>A on transcript NM_014365.3 (MANE Select); coding-DNA position 194, G replaced by A.
Protein change: p.Arg65Lys; replaces arginine 65 with lysine.
Molecular consequence: missense variant.
Genome position (GRCh38, 1-based): chr12:119,179,506, G>A. VCF-style: chr12-119179506-G-A. GRCh37 (hg19) VCF-style: chr12-119617311-G-A.
Other names: short protein forms R65K.
Identifiers: ClinVar variation 572514 (VCV000572514.10), dbSNP rs1265247622, ClinGen allele CA386525320.